The following is an entry in ClinVar:

ClinVar aggregate classification (germline): Conflicting classifications of pathogenicity. Review status: criteria provided, conflicting classifications (1 of 4 stars). 8 submissions from 8 submitters: Uncertain significance (5); Benign (1). 2 of the submissions do not count toward it. Last evaluated 2025-11-16.

Conditions:
Nemaline myopathy 2 (NEM2). Also called: Nemaline myopathy 2, autosomal recessive. Identifiers: MedGen C1850569, MONDO:0009725, OMIM 256030.

Allele frequency attached by ClinVar (database versions not stated): ESP Exome Variant Server 0.00008; TOPMed 0.00011; gnomAD exomes 0.00014 and 0.00016; gnomAD 0.00021; ExAC 0.00026.
gnomAD v4.1: 227 of 1,613,718 alleles (0.014%); highest among the groups gnomAD compares: African/African-American, 0.028%; 1 homozygote.

Submissions (8):

Labcorp Genetics (formerly Invitae), Labcorp
Classification: Benign for Nemaline myopathy 2. Last evaluated: 2025-11-16. Review status: criteria provided, single submitter. Criteria: Invitae Variant Classification Sherloc (09022015). Collection method: clinical testing. Allele origin: germline.

Women's Health and Genetics/Laboratory Corporation of America, LabCorp
Classification: Uncertain significance. Last evaluated: 2025-04-25. Review status: criteria provided, single submitter. Criteria: LabCorp Variant Classification Summary - May 2015. Collection method: clinical testing. Allele origin: germline.
Comment: Variant summary: NEB c.22537C>T (p.Arg7513Cys) results in a non-conservative amino acid change in the encoded protein sequence. Four of five in-silico tools predict a damaging effect of the variant on protein function. The variant allele was found at a frequency of 0.00016 in 248804 control chromosomes. This frequency is not significantly higher than estimated for a pathogenic variant in NEB causing Nemaline Myopathy 2 (0.00016 vs 0.0035), allowing no conclusion about variant significance. To our knowledge, no occurrence of c.22537C>T in individuals affected with Nemaline Myopathy 2 and no experimental evidence demonstrating its impact on protein function have been reported. ClinVar contains an entry for this variant (Variation ID: 129731). Based on the evidence outlined above, the variant was classified as uncertain significance.

Revvity Omics, Revvity
Classification: Uncertain significance. Last evaluated: 2024-10-28. Review status: criteria provided, single submitter. Criteria: ACMG Guidelines, 2015. Collection method: clinical testing. Allele origin: germline.

GeneDx
Classification: Uncertain significance. Last evaluated: 2022-05-16. Review status: criteria provided, single submitter. Criteria: GeneDx Variant Classification Process June 2021. Collection method: clinical testing. Allele origin: germline. Affected: yes.
Comment: In silico analysis supports that this missense variant has a deleterious effect on protein structure/function; Has not been previously published as pathogenic or benign to our knowledge

Genetic Services Laboratory, University of Chicago
Classification: Uncertain significance. Last evaluated: 2013-08-23. Review status: criteria provided, single submitter. Criteria: ACMG Guidelines, 2007. Collection method: clinical testing. Allele origin: germline. Inheritance: Autosomal recessive inheritance.

Breakthrough Genomics
Classification: Uncertain significance. Review status: criteria provided, single submitter. Criteria: ACMG Guidelines, 2015. Collection method: not provided. Allele origin: germline. Inheritance: Autosomal recessive inheritance. Affected: yes.

Natera, Inc.
Classification: Uncertain significance for Nemaline myopathy type 2. Last evaluated: 2020-01-17. Review status: no assertion criteria provided. Collection method: clinical testing. Allele origin: germline. Not counted in ClinVar's aggregate classification.

Counsyl
Classification: Uncertain significance for Nemaline myopathy 2. Last evaluated: 2017-03-22. Review status: no assertion criteria provided. Collection method: clinical testing. Allele origin: unknown. Not counted in ClinVar's aggregate classification.

NM_001164508.2(NEB):c.22432C>T (p.Arg7478Cys)

Genes: RIF1 (replication timing regulatory factor 1; plus strand), NEB (nebulin; minus strand). Cytogenetic location: 2q23.3.
Variant type: single nucleotide variant.
Coding change: c.22432C>T on transcript NM_001164508.2 (MANE Select); coding-DNA position 22432, C replaced by T.
Protein change: p.Arg7478Cys; replaces arginine 7478 with cysteine.
Molecular consequence: missense variant.
Genome position (GRCh38, 1-based): chr2:151,524,358, G>A on the plus strand (C>T on the coding strand, the complement: NEB is on the minus strand). VCF-style: chr2-151524358-G-A. GRCh37 (hg19) VCF-style: chr2-152380872-G-A.
Other names: c.22432C>T, p.Arg7478Cys (NM_001164507.2); c.22537C>T, p.Arg7513Cys (NM_001271208.2); c.17329C>T, p.Arg5777Cys (NM_004543.5); short protein forms R7513C, R5777C, R7478C.
Identifiers: ClinVar variation 129731 (VCV000129731.24), dbSNP rs202050860, ClinGen allele CA231313.